The following is an entry in ClinVar:

ClinVar aggregate classification (germline): Uncertain significance (1 of 4 stars; one submission).

Allele frequency attached by ClinVar (database versions not stated): gnomAD exomes below 0.00001.
gnomAD v4.1: 1 of 1,611,514 alleles (0.000062%); highest among the groups gnomAD compares: South Asian, 0.0011%; no homozygotes.

Submission:

Labcorp Genetics (formerly Invitae), Labcorp
Classification: Uncertain significance. Last evaluated: 2024-01-06. Review status: criteria provided, single submitter. Criteria: Invitae Variant Classification Sherloc (09022015). Collection method: clinical testing. Allele origin: germline.
Comment: This sequence change replaces glycine, which is neutral and non-polar, with alanine, which is neutral and non-polar, at codon 25 of the ANKRD26 protein (p.Gly25Ala). This variant is present in population databases (no rsID available, gnomAD 0.003%). This variant has not been reported in the literature in individuals affected with ANKRD26-related conditions. An algorithm developed to predict the effect of missense changes on protein structure and function (PolyPhen-2) suggests that this variant is likely to be tolerated. In summary, the available evidence is currently insufficient to determine the role of this variant in disease. Therefore, it has been classified as a Variant of Uncertain Significance.

NM_014915.3(ANKRD26):c.74G>C (p.Gly25Ala)

Genes: ANKRD26 (ankyrin repeat domain 26; minus strand), LOC130003554 (ATAC-STARR-seq lymphoblastoid silent region 2243; plus strand). Cytogenetic location: 10p12.1.
Variant type: single nucleotide variant.
Coding change: c.74G>C on transcript NM_014915.3 (MANE Select); coding-DNA position 74, G replaced by C.
Protein change: p.Gly25Ala; replaces glycine 25 with alanine.
Molecular consequence: missense variant.
Genome position (GRCh38, 1-based): chr10:27,100,253, C>G on the plus strand (G>C on the coding strand, the complement: ANKRD26 is on the minus strand). VCF-style: chr10-27100253-C-G. GRCh37 (hg19) VCF-style: chr10-27389182-C-G.
Other names: c.74G>C, p.Gly25Ala (NM_001256053.2); short protein forms G25A.
Identifiers: ClinVar variation 2707940 (VCV002707940.3), dbSNP rs1481143080, ClinGen allele CA376369906.